The following is an entry in ClinVar:

NM_001375524.1(TRRAP):c.8247+5G>C

Gene: TRRAP (transformation/transcription domain associated protein; plus strand). Cytogenetic location: 7q22.1.
Variant type: single nucleotide variant.
Coding change: c.8247+5G>C on transcript NM_001375524.1 (MANE Select); 5 bases into the intron after coding-DNA position 8247, G replaced by C.
Molecular consequence: intron variant.
Genome position (GRCh38, 1-based): chr7:98,976,775, G>C. VCF-style: chr7-98976775-G-C. GRCh37 (hg19) VCF-style: chr7-98574398-G-C.
Other names: c.8226+5G>C (NM_001244580.2); c.8172+5G>C (NM_003496.4).
Identifiers: ClinVar variation 4291870 (VCV004291870.1).

ClinVar aggregate classification (germline): Uncertain significance (1 of 4 stars; one submission).

Conditions:
Developmental delay with or without dysmorphic facies and autism. Identifiers: MedGen C5193106, MONDO:0032760, OMIM 618454.

Submission:

3billion
Classification: Uncertain significance for Developmental delay with or without dysmorphic facies and autism. Last evaluated: 2024-11-15. Review status: criteria provided, single submitter. Criteria: ACMG Guidelines, 2015. Collection method: clinical testing. Allele origin: germline. Affected: yes.
Comment: The variant is not observed in the gnomAD v4.1.0 dataset. Predicted Consequence/Location: Intron variant In silico tools predict the variant to alter splicing and produce an abnormal transcript [SpliceAI: 0.62 (>=0.2, moderate evidence for spliceogenicity)]. Therefore, this variant is classified as VUS according to the recommendation of ACMG/AMP guideline.